The following is an entry in ClinVar:

ClinVar aggregate classification (germline): Uncertain significance. Review status: criteria provided, multiple submitters, no conflicts (2 of 4 stars). 6 submissions from 4 submitters: Uncertain significance (6). Last evaluated 2025-05-02.

Conditions:
Chronic infantile neurological, cutaneous and articular syndrome (CINCA). Also called: Prieur Griscelli syndrome; CRYOPYRIN-ASSOCIATED PERIODIC SYNDROME 3; CINCA syndrome; CHRONIC NEUROLOGIC CUTANEOUS AND ARTICULAR SYNDROME. Identifiers: Orphanet 1451, MedGen C0409818, MONDO:0011776, OMIM 607115.
Familial cold autoinflammatory syndrome 1 (FCAS1). Also called: CRYOPYRIN-ASSOCIATED PERIODIC SYNDROME 1; Familial cold inflammatory syndrome 1. Identifiers: Orphanet 47045, MedGen C4551895, MONDO:0007349, OMIM 120100.
Familial amyloid nephropathy with urticaria AND deafness (MWS). Also called: MUCKLE-WELLS SYNDROME; Urticaria, deafness and amyloidosis; CRYOPYRIN-ASSOCIATED PERIODIC SYNDROME 2; UDA SYNDROME; URTICARIA-DEAFNESS-AMYLOIDOSIS SYNDROME. Identifiers: Orphanet 575, MedGen C0268390, MONDO:0008633, OMIM 191900.
Cryopyrin associated periodic syndrome (CAPS). Identifiers: Orphanet 208650, MedGen C2316212, MONDO:0016168.

Allele frequency attached by ClinVar (database versions not stated): ExAC 0.00001; gnomAD exomes 0.00001 and 0.00004; gnomAD 0.00003; TOPMed 0.00004.
gnomAD v4.1: 61 of 1,613,070 alleles (0.0038%); highest among the groups gnomAD compares: Non-Finnish European, 0.005%; no homozygotes.

Submissions (6):

GeneDx
Classification: Uncertain significance. Last evaluated: 2025-05-02. Review status: criteria provided, single submitter. Criteria: GeneDx Variant Classification Process June 2021. Collection method: clinical testing. Allele origin: germline. Affected: yes.
Comment: Reported as a variant of uncertain significance, without any patient specific details, in a review study of variants associated with autoinflammatory disease (PMID: 32082075); In silico analysis suggests that this missense variant does not alter protein structure/function; Also known as p.(K1013E); This variant is associated with the following publications: (PMID: 39930093, 32082075)

Labcorp Genetics (formerly Invitae), Labcorp
Classification: Uncertain significance for Cryopyrin associated periodic syndrome. Last evaluated: 2025-02-03. Review status: criteria provided, single submitter. Criteria: Invitae Variant Classification Sherloc (09022015). Collection method: clinical testing. Allele origin: germline.
Comment: This sequence change replaces lysine, which is basic and polar, with glutamic acid, which is acidic and polar, at codon 1015 of the NLRP3 protein (p.Lys1015Glu). This variant is present in population databases (rs771315000, gnomAD 0.003%). This variant has not been reported in the literature in individuals affected with NLRP3-related conditions. ClinVar contains an entry for this variant (Variation ID: 234308). Invitae Evidence Modeling of protein sequence and biophysical properties (such as structural, functional, and spatial information, amino acid conservation, physicochemical variation, residue mobility, and thermodynamic stability) indicates that this missense variant is not expected to disrupt NLRP3 protein function with a negative predictive value of 95%. In summary, the available evidence is currently insufficient to determine the role of this variant in disease. Therefore, it has been classified as a Variant of Uncertain Significance.

Blueprint Genetics
Classification: Uncertain significance. Last evaluated: 2024-09-23. Review status: criteria provided, single submitter. Criteria: ACMG Guidelines, 2015. Collection method: clinical testing. Allele origin: germline.

Illumina Laboratory Services, Illumina
Classification: Uncertain significance for Chronic infantile neurological, cutaneous and articular syndrome. Last evaluated: 2018-01-13. Review status: criteria provided, single submitter. Criteria: ICSL Variant Classification Criteria 13 December 2019. Collection method: clinical testing. Allele origin: germline.

Illumina Laboratory Services, Illumina
Classification: Uncertain significance for Familial amyloid nephropathy with urticaria AND deafness. Last evaluated: 2018-01-13. Review status: criteria provided, single submitter. Criteria: ICSL Variant Classification Criteria 13 December 2019. Collection method: clinical testing. Allele origin: germline.

Illumina Laboratory Services, Illumina
Classification: Uncertain significance for Familial cold autoinflammatory syndrome 1. Last evaluated: 2018-01-13. Review status: criteria provided, single submitter. Criteria: ICSL Variant Classification Criteria 13 December 2019. Collection method: clinical testing. Allele origin: germline.

NM_001243133.2(NLRP3):c.3037A>G (p.Lys1013Glu)

Gene: NLRP3 (NLR family pyrin domain containing 3; plus strand). Cytogenetic location: 1q44.
Variant type: single nucleotide variant.
Coding change: c.3037A>G on transcript NM_001243133.2 (MANE Select); coding-DNA position 3037, A replaced by G.
Protein change: p.Lys1013Glu; replaces lysine 1013 with glutamic acid.
Molecular consequence: missense variant.
Genome position (GRCh38, 1-based): chr1:247,448,436, A>G. VCF-style: chr1-247448436-A-G. GRCh37 (hg19) VCF-style: chr1-247611738-A-G.
Other names: c.3037A>G, p.Lys1013Glu (NM_001079821.3); c.2866A>G, p.Lys956Glu (NM_001127461.3, NM_001127462.3); c.3043A>G, p.Lys1015Glu (NM_004895.5); c.2695A>G, p.Lys899Glu (NM_183395.3); short protein forms K1015E, K1013E, K899E, K956E.
Identifiers: ClinVar variation 234308 (VCV000234308.17), dbSNP rs771315000, ClinGen allele CA1495433.